The following is an entry in ClinVar:

ClinVar aggregate classification (germline): Uncertain significance (1 of 4 stars; one submission).

gnomAD v4.1: 2 of 1,208,721 alleles (0.00017%); highest among the groups gnomAD compares: African/African-American, 0.0018%; no homozygotes.

Submission:

Labcorp Genetics (formerly Invitae), Labcorp
Classification: Uncertain significance. Last evaluated: 2024-12-18. Review status: criteria provided, single submitter. Criteria: Invitae Variant Classification Sherloc (09022015). Collection method: clinical testing. Allele origin: germline.
Comment: This sequence change replaces lysine, which is basic and polar, with arginine, which is basic and polar, at codon 491 of the MID1 protein (p.Lys491Arg). This variant is present in population databases (rs758089179, gnomAD 0.009%), including at least one homozygous and/or hemizygous individual. This variant has not been reported in the literature in individuals affected with MID1-related conditions. Invitae Evidence Modeling of protein sequence and biophysical properties (such as structural, functional, and spatial information, amino acid conservation, physicochemical variation, residue mobility, and thermodynamic stability) indicates that this missense variant is not expected to disrupt MID1 protein function with a negative predictive value of 80%. In summary, the available evidence is currently insufficient to determine the role of this variant in disease. Therefore, it has been classified as a Variant of Uncertain Significance.

NM_000381.4(MID1):c.1472A>G (p.Lys491Arg)

Gene: MID1 (midline 1; minus strand). Cytogenetic location: Xp22.2.
Variant type: single nucleotide variant.
Coding change: c.1472A>G on transcript NM_000381.4 (MANE Select); coding-DNA position 1472, A replaced by G.
Protein change: p.Lys491Arg; replaces lysine 491 with arginine.
Molecular consequence: missense variant.
Genome position (GRCh38, 1-based): chrX:10,455,053, T>C on the plus strand (A>G on the coding strand, the complement: MID1 is on the minus strand). VCF-style: chrX-10455053-T-C. GRCh37 (hg19) VCF-style: chrX-10423093-T-C.
Other names: c.1472A>G, p.Lys491Arg (NM_001098624.2, NM_001193277.1, NM_001347733.2 and 1 more transcripts); c.1358A>G, p.Lys453Arg (NM_033289.2); short protein forms K491R, K453R.
Identifiers: ClinVar variation 3695706 (VCV003695706.2).
Genomic context (GRCh38, chrX:10,455,053, plus strand): 5'-GACTCATCACGTTCTACTGTCAAGTTATCATGGGACACCTTCAGTTTTCGATGAGCAGAT[T>C]TGGGATCCAGTTTAAATGGTTGGCCTGAAAACAAATTCACAAAACAGAAAAAGGAAGAGG-3'
Protein context (NP_000372.1, residues 481-501): TNSQPFKLDP[Lys491Arg]SAHRKLKVSH